The following is an entry in ClinVar:

ClinVar aggregate classification (germline): Uncertain significance (1 of 4 stars; one submission).

gnomAD v4.1: 38 of 1,610,118 alleles (0.0024%); highest among the groups gnomAD compares: Non-Finnish European, 0.00025%; no homozygotes.

Submission:

Ambry Genetics
Classification: Uncertain significance. Last evaluated: 2025-04-09. Review status: criteria provided, single submitter. Criteria: Ambry Variant Classification Scheme 2023. Collection method: clinical testing. Allele origin: germline.
Comment: The p.P57R variant (also known as c.170C>G), located in coding exon 2 of the GFI1 gene, results from a C to G substitution at nucleotide position 170. The proline at codon 57 is replaced by arginine, an amino acid with dissimilar properties. This amino acid position is conserved. In addition, this alteration is predicted to be tolerated by in silico analysis. Based on the available evidence, the clinical significance of this variant remains unclear.

NM_005263.5(GFI1):c.170C>G (p.Pro57Arg)

Gene: GFI1 (growth factor independent 1 transcriptional repressor; minus strand). Cytogenetic location: 1p22.1.
Variant type: single nucleotide variant.
Coding change: c.170C>G on transcript NM_005263.5 (MANE Select); coding-DNA position 170, C replaced by G.
Protein change: p.Pro57Arg; replaces proline 57 with arginine.
Molecular consequence: missense variant.
Genome position (GRCh38, 1-based): chr1:92,482,992, G>C on the plus strand (C>G on the coding strand, the complement: GFI1 is on the minus strand). VCF-style: chr1-92482992-G-C. GRCh37 (hg19) VCF-style: chr1-92948549-G-C.
Other names: c.170C>G, p.Pro57Arg (NM_001127215.3, NM_001127216.3); short protein forms P57R.
Identifiers: ClinVar variation 4029388 (VCV004029388.1).